The following is an entry in ClinVar:

NM_004407.4(DMP1):c.988A>G (p.Ser330Gly)

Genes: DMP1 (dentin matrix acidic phosphoprotein 1; plus strand), DMP1-AS1 (DMP1 and DSPP antisense RNA 1; minus strand). Cytogenetic location: 4q22.1.
Variant type: single nucleotide variant.
Coding change: c.988A>G on transcript NM_004407.4 (MANE Select); coding-DNA position 988, A replaced by G.
Protein change: p.Ser330Gly; replaces serine 330 with glycine.
Molecular consequence: missense variant.
Genome position (GRCh38, 1-based): chr4:87,662,766, A>G. VCF-style: chr4-87662766-A-G. GRCh37 (hg19) VCF-style: chr4-88583918-A-G.
Other names: c.940A>G, p.Ser314Gly (NM_001079911.3); short protein forms S314G, S330G.
Identifiers: ClinVar variation 4848668 (VCV004848668.1).
Genomic context (GRCh38, chr4:87,662,766, plus strand): 5'-AGGAGAGACAGCAAGGGTGACTCTCAAGAAGACAGCAAGGAGAATCTGTCCCAGGAAGAG[A>G]GCCAAAACGTAGATGGTCCCAGCAGTGAGTCCAGCCAAGAGGCCAACCTGTCATCTCAAG-3'
Protein context (NP_004398.1, residues 320-340): DSKENLSQEE[Ser330Gly]QNVDGPSSES

ClinVar aggregate classification (germline): Uncertain significance (1 of 4 stars; one submission).

Submission:

Women's Health and Genetics/Laboratory Corporation of America, LabCorp
Classification: Uncertain significance. Last evaluated: 2026-04-13. Review status: criteria provided, single submitter. Criteria: LabCorp Variant Classification Summary - May 2015. Collection method: clinical testing. Allele origin: germline.
Comment: Variant summary: DMP1 c.988A>G (p.Ser330Gly) results in a non-conservative amino acid change in the encoded protein sequence. Algorithms developed to predict the effect of missense changes on protein structure and function are either unavailable or do not agree on the potential impact of this missense change. The variant allele was found at a frequency of 4e-06 in 251282 control chromosomes. The available data on variant occurrences in the general population are insufficient to allow any conclusion about variant significance. To our knowledge, no occurrence of c.988A>G in individuals affected with DMP1-related conditions and no experimental evidence demonstrating its impact on protein function have been reported. No submitters have cited clinical-significance assessments for this variant to ClinVar. Based on the evidence outlined above, the variant was classified as uncertain significance.